The following is an entry in ClinVar:

ClinVar aggregate classification (germline): Uncertain significance (1 of 4 stars; one submission).

Conditions:
Familial thoracic aortic aneurysm and aortic dissection (TAAD). Also called: Thoracic aortic aneurysms and dissections. Identifiers: Orphanet 91387, MedGen C4707243, MONDO:0019625.
Hereditary cancer-predisposing syndrome. Also called: Hereditary Cancer Syndrome; Hereditary neoplastic syndrome; Neoplastic Syndromes, Hereditary; Tumor predisposition. Identifiers: Orphanet 140162, MedGen C0027672, MeSH D009386, MONDO:0015356.

Submission:

Ambry Genetics
Classification: Uncertain significance for Hereditary cancer-predisposing syndrome; Familial thoracic aortic aneurysm and aortic dissection. Last evaluated: 2022-06-15. Review status: criteria provided, single submitter. Criteria: Ambry Variant Classification Scheme 2023. Collection method: clinical testing. Allele origin: germline.
Comment: The p.S344N variant (also known as c.1031G>A), located in coding exon 8 of the SMAD4 gene, results from a G to A substitution at nucleotide position 1031. The serine at codon 344 is replaced by asparagine, an amino acid with highly similar properties. This amino acid position is conserved. In addition, this alteration is predicted to be tolerated by in silico analysis. Since supporting evidence is limited at this time, the clinical significance of this alteration remains unclear.

NM_005359.6(SMAD4):c.1031G>A (p.Ser344Asn)

Gene: SMAD4 (SMAD family member 4; plus strand). Cytogenetic location: 18q21.2.
Variant type: single nucleotide variant.
Coding change: c.1031G>A on transcript NM_005359.6 (MANE Select); coding-DNA position 1031, G replaced by A.
Protein change: p.Ser344Asn; replaces serine 344 with asparagine.
Molecular consequence: missense variant.
Genome position (GRCh38, 1-based): chr18:51,065,498, G>A. VCF-style: chr18-51065498-G-A. GRCh37 (hg19) VCF-style: chr18-48591868-G-A.
Other names: c.1031G>A, p.Ser344Asn (NM_001407041.1, NM_001407042.1, NM_001407043.1); short protein forms S344N.
Identifiers: ClinVar variation 1771315 (VCV001771315.2), dbSNP rs2144446916, ClinGen allele CA402464244.